The following is an entry in ClinVar:

ClinVar aggregate classification (germline): Uncertain significance. Review status: criteria provided, multiple submitters, no conflicts (2 of 4 stars). 4 submissions from 3 submitters: Uncertain significance (4). Last evaluated 2025-01-15.

Conditions:
Developmental and epileptic encephalopathy, 42 (DEE42A). Also called: Epileptic encephalopathy, early infantile, 42; DEVELOPMENTAL AND EPILEPTIC ENCEPHALOPATHY 42A; EPILEPTIC ENCEPHALOPATHY, EARLY INFANTILE, 42A. Identifiers: MedGen C4310716, MONDO:0014917, OMIM 617106.
Inborn genetic diseases. Identifiers: MedGen C0950123, MeSH D030342.
Episodic ataxia type 2 (EA2). Also called: EPISODIC ATAXIA, NYSTAGMUS-ASSOCIATED; ATAXIA, EPISODIC, WITH NYSTAGMUS; ATAXIA, FAMILIAL PAROXYSMAL; CEREBELLAR ATAXIA, PAROXYSMAL, ACETAZOLAMIDE-RESPONSIVE; CEREBELLOPATHY, HEREDITARY PAROXYSMAL; ACETAZOLAMIDE-RESPONSIVE HEREDITARY PAROXYSMAL CEREBELLAR ATAXIA. Identifiers: Orphanet 97, MedGen C1720416, MONDO:0007163, OMIM 108500.

Submissions (4):

GeneDx
Classification: Uncertain significance. Last evaluated: 2025-01-15. Review status: criteria provided, single submitter. Criteria: GeneDx Variant Classification Process June 2021. Collection method: clinical testing. Allele origin: germline. Affected: yes.
Comment: Not observed at significant frequency in large population cohorts (gnomAD); In silico analysis supports that this missense variant has a deleterious effect on protein structure/function; Has not been previously published as pathogenic or benign to our knowledge

Ambry Genetics
Classification: Uncertain significance for Inborn genetic diseases. Last evaluated: 2024-09-09. Review status: criteria provided, single submitter. Criteria: Ambry Variant Classification Scheme 2023. Collection method: clinical testing. Allele origin: germline.
Comment: The c.851G>T (p.G284V) alteration is located in exon 6 (coding exon 6) of the CACNA1A gene. This alteration results from a G to T substitution at nucleotide position 851, causing the glycine (G) at amino acid position 284 to be replaced by a valine (V). for CACNA1A-related neurologic disorders; however, it is unlikely to be causative of CACNA1A-related spinocerebellar ataxia. This variant was not reported in population-based cohorts in the Genome Aggregation Database (gnomAD). This amino acid position is highly conserved in available vertebrate species. This missense alteration is located in a region that has a low rate of benign missense variation (Lek, 2016; Firth, 2009). This alteration is predicted to be deleterious by in silico analysis. Based on insufficient or conflicting evidence, the clinical significance of this alteration remains unclear.

HudsonAlpha Institute for Biotechnology
Classification: Uncertain significance for Developmental and epileptic encephalopathy, 42. Last evaluated: 2021-08-09. Review status: criteria provided, single submitter. Criteria: ACMG Guidelines, 2015. Collection method: research. Allele origin: unknown. Observed: 1 variant allele. Study: HudsonAlpha-AGHI-WGS.
Comment: ACMG codes:PM2, PP3

HudsonAlpha Institute for Biotechnology
Classification: Uncertain significance for Episodic ataxia type 2. Last evaluated: 2018-04-16. Review status: criteria provided, single submitter. Criteria: ACMG Guidelines, 2015. Collection method: research. Allele origin: paternal, unknown. Affected: yes. Observed: 2 variant alleles. Study: CSER-HudsonAlpha.

NM_001127222.2(CACNA1A):c.851G>T (p.Gly284Val)

Gene: CACNA1A (calcium voltage-gated channel subunit alpha1 A; minus strand). Cytogenetic location: 19p13.13.
Variant type: single nucleotide variant.
Coding change: c.851G>T on transcript NM_001127222.2 (MANE Select); coding-DNA position 851, G replaced by T.
Protein change: p.Gly284Val; replaces glycine 284 with valine.
Molecular consequence: missense variant.
Genome position (GRCh38, 1-based): chr19:13,359,733, C>A on the plus strand (G>T on the coding strand, the complement: CACNA1A is on the minus strand). VCF-style: chr19-13359733-C-A. GRCh37 (hg19) VCF-style: chr19-13470547-C-A.
Other names: c.851G>T, p.Gly284Val (NM_000068.4, NM_001127221.2, NM_001174080.2 and 1 more transcripts); c.851G>T (NM_001127221.1); short protein forms G284V.
Identifiers: ClinVar variation 545590 (VCV000545590.4), dbSNP rs1555773757, ClinGen allele CA404347287.